The following is an entry in ClinVar:

NM_000059.4(BRCA2):c.2679A>G (p.Gln893=)

Gene: BRCA2 (BRCA2 DNA repair associated; plus strand). Cytogenetic location: 13q13.1.
Variant type: single nucleotide variant.
Coding change: c.2679A>G on transcript NM_000059.4 (MANE Select); coding-DNA position 2679, A replaced by G.
Protein change: p.Gln893=; no amino-acid change (glutamine 893 retained).
Molecular consequence: synonymous variant.
Genome position (GRCh38, 1-based): chr13:32,337,034, A>G. VCF-style: chr13-32337034-A-G. GRCh37 (hg19) VCF-style: chr13-32911171-A-G.
Identifiers: ClinVar variation 187322 (VCV000187322.22), dbSNP rs786203640, ClinGen allele CA016024.
Genomic context (GRCh38, chr13:32,337,034, plus strand): 5'-AACTGTCAATCCAGACTCTGAAGAACTTTTCTCAGACAATGAGAATAATTTTGTCTTCCA[A>G]GTAGCTAATGAAAGGAATAATCTTGCTTTAGGAAATACTAAGGAACTTCATGAAACAGAC-3'
Protein context (NP_000050.3, residues 883-903): FSDNENNFVF[Gln893=]VANERNNLAL

ClinVar aggregate classification (germline): Conflicting classifications of pathogenicity. Review status: criteria provided, conflicting classifications (1 of 4 stars). 6 submissions from 6 submitters: Uncertain significance (2); Likely benign (4). Last evaluated 2025-09-26.

Conditions:
Hereditary breast ovarian cancer syndrome. Also called: Hereditary breast and ovarian cancer; Hereditary breast and ovarian cancer syndrome; Breast and ovarian cancer; Hereditary breast and ovarian cancer syndrome (HBOC); Hereditary breast and/or ovarian cancer syndrome; BRCA1- and BRCA2-Associated Hereditary Breast and Ovarian Cancer. Identifiers: Orphanet 145, MedGen C0677776, MeSH D061325, MONDO:0003582. Disease mechanism: loss of function.
Breast-ovarian cancer, familial, susceptibility to, 2 (BROVCA2). Also called: BRCA2 Hereditary Breast and Ovarian Cancer. Identifiers: Orphanet 145, MedGen C2675520, MONDO:0012933, OMIM 612555. Disease mechanism: loss of function.
Hereditary cancer-predisposing syndrome. Also called: Hereditary Cancer Syndrome; Neoplastic Syndromes, Hereditary; Tumor predisposition; Hereditary neoplastic syndrome. Identifiers: Orphanet 140162, MedGen C0027672, MeSH D009386, MONDO:0015356.

Allele frequency attached by ClinVar (database versions not stated): TOPMed below 0.00001.

Submissions (6):

Women's Health and Genetics/Laboratory Corporation of America, LabCorp
Classification: Uncertain significance. Last evaluated: 2025-09-26. Review status: criteria provided, single submitter. Criteria: LabCorp Variant Classification Summary - May 2015. Collection method: clinical testing. Allele origin: germline.
Comment: Variant summary: BRCA2 c.2679A>G results in a synonymous change. Several computational tools predict a significant impact on normal splicing: Three predict the variant creates a 5 donor site. Four predict the variant creates a 3' acceptor site. However, these predictions have yet to be confirmed by functional studies. The variant was absent in 238184 control chromosomes. The available data on variant occurrences in the general population are insufficient to allow any conclusion about variant significance. To our knowledge, no occurrence of c.2679A>G in individuals affected with BRCA2-related conditions and no experimental evidence demonstrating its impact on protein function have been reported. ClinVar contains an entry for this variant (Variation ID: 187322). Based on the evidence outlined above, the variant was classified as uncertain significance.

Labcorp Genetics (formerly Invitae), Labcorp
Classification: Likely benign for Hereditary breast ovarian cancer syndrome. Last evaluated: 2025-09-24. Review status: criteria provided, single submitter. Criteria: Invitae Variant Classification Sherloc (09022015). Collection method: clinical testing. Allele origin: germline.

Ambry Genetics
Classification: Likely benign for Hereditary cancer-predisposing syndrome. Last evaluated: 2023-11-27. Review status: criteria provided, single submitter. Criteria: Ambry Variant Classification Scheme 2023. Collection method: clinical testing. Allele origin: germline.

All of Us Research Program, National Institutes of Health
Classification: Likely benign for Breast-ovarian cancer, familial, susceptibility to, 2. Last evaluated: 2023-09-04. Review status: criteria provided, single submitter. Criteria: ACMG Guidelines, 2015. Collection method: clinical testing. Allele origin: germline. Inheritance: Autosomal dominant inheritance. Observed: 1 variant allele, 1 heterozygote.
Comment: This study involves interpretation of variants in research participants for the purpose of population health screening. Participant phenotype was not available at the time of variant classification. Additional details can be found in publication PMID: 35346344, PMCID: PMC8962531

Quest Diagnostics Nichols Institute San Juan Capistrano
Classification: Uncertain significance. Last evaluated: 2023-05-31. Review status: criteria provided, single submitter. Criteria: Quest Diagnostics criteria. Collection method: clinical testing. Allele origin: unknown.
Comment: To the best of our knowledge, this variant has not been reported in the published literature. It also has not been reported in large, multi-ethnic general populations (Genome Aggregation Database). Analysis of this variant using software algorithms for the prediction of the effect of nucleotide changes on BRCA2 mRNA splicing yielded predictions that this variant may result in the gain of a cryptic splice site without affecting the natural splice sites . Based on the available information, we are unable to determine the clinical significance of this variant.

Color Diagnostics, LLC DBA Color Health
Classification: Likely benign for Hereditary cancer-predisposing syndrome. Last evaluated: 2017-02-01. Review status: criteria provided, single submitter. Criteria: ACMG Guidelines, 2015. Collection method: clinical testing. Allele origin: germline.